The following is an entry in ClinVar:

NM_001035.3(RYR2):c.4586C>T (p.Thr1529Ile)

Gene: RYR2 (ryanodine receptor 2; plus strand). Cytogenetic location: 1q43.
Variant type: single nucleotide variant.
Coding change: c.4586C>T on transcript NM_001035.3 (MANE Select); coding-DNA position 4586, C replaced by T.
Protein change: p.Thr1529Ile; replaces threonine 1529 with isoleucine.
Molecular consequence: missense variant.
Genome position (GRCh38, 1-based): chr1:237,595,647, C>T. VCF-style: chr1-237595647-C-T. GRCh37 (hg19) VCF-style: chr1-237758947-C-T.
Other names: short protein forms T1529I.
Identifiers: ClinVar variation 2705384 (VCV002705384.3), dbSNP rs1247493512, ClinGen allele CA345400747.
Genomic context (GRCh38, chr1:237,595,647, plus strand): 5'-GTGTGGTGGATGCTGCCAGCGGGCTGCTCACATTCATTGCCAATGGCAAGGAACTGAGCA[C>T]ATACTATCAGGTACGCGGTCAGTGATGATATCAGTCTTCTAGGGAGGAAGACTTCTTTCC-3'
Protein context (NP_001026.2, residues 1519-1539): TFIANGKELS[Thr1529Ile]YYQVEPSTKL

ClinVar aggregate classification (germline): Uncertain significance (1 of 4 stars; one submission).

Conditions:
Catecholaminergic polymorphic ventricular tachycardia 1. Also called: VENTRICULAR TACHYCARDIA, CATECHOLAMINERGIC POLYMORPHIC, 1, WITH OR WITHOUT ATRIAL DYSFUNCTION AND/OR DILATED CARDIOMYOPATHY; VENTRICULAR TACHYCARDIA, STRESS-INDUCED POLYMORPHIC 1; RYR2-Related Catecholaminergic Polymorphic Ventricular Tachycardia. Identifiers: Orphanet 3286, MedGen C1631597, MONDO:0011484, OMIM 604772.

Allele frequency attached by ClinVar (database versions not stated): gnomAD exomes below 0.00001; TOPMed 0.00001.
gnomAD v4.1: 1 of 1,611,552 alleles (0.000062%); highest among the groups gnomAD compares: Non-Finnish European, 0.000085%; no homozygotes.

Submission:

Labcorp Genetics (formerly Invitae), Labcorp
Classification: Uncertain significance for Catecholaminergic polymorphic ventricular tachycardia 1. Last evaluated: 2024-12-05. Review status: criteria provided, single submitter. Criteria: Invitae Variant Classification Sherloc (09022015). Collection method: clinical testing. Allele origin: germline.
Comment: This sequence change replaces threonine, which is neutral and polar, with isoleucine, which is neutral and non-polar, at codon 1529 of the RYR2 protein (p.Thr1529Ile). This variant is present in population databases (no rsID available, gnomAD 0.002%). This variant has not been reported in the literature in individuals affected with RYR2-related conditions. ClinVar contains an entry for this variant (Variation ID: 2705384). Invitae Evidence Modeling of protein sequence and biophysical properties (such as structural, functional, and spatial information, amino acid conservation, physicochemical variation, residue mobility, and thermodynamic stability) indicates that this missense variant is not expected to disrupt RYR2 protein function with a negative predictive value of 95%. In summary, the available evidence is currently insufficient to determine the role of this variant in disease. Therefore, it has been classified as a Variant of Uncertain Significance.